The following is an entry in ClinVar:

NM_000038.6(APC):c.3269A>G (p.Gln1090Arg)

Gene: APC (APC regulator of Wnt signaling pathway; plus strand). Cytogenetic location: 5q22.2.
Variant type: single nucleotide variant.
Coding change: c.3269A>G on transcript NM_000038.6 (MANE Select); coding-DNA position 3269, A replaced by G.
Protein change: p.Gln1090Arg; replaces glutamine 1090 with arginine.
Molecular consequence: missense variant. On other transcripts: non-coding transcript variant (2).
Genome position (GRCh38, 1-based): chr5:112,838,863, A>G. VCF-style: chr5-112838863-A-G. GRCh37 (hg19) VCF-style: chr5-112174560-A-G.
Other names: c.3020A>G, p.Gln1007Arg (NM_001407457.1, NM_001407454.1, NM_001407455.1 and 1 more transcripts); c.2966A>G, p.Gln989Arg (NM_001407458.1, NM_001407459.1, NM_001407460.1 and 1 more transcripts); c.2882A>G, p.Gln961Arg (NM_001407467.1, NM_001407469.1); c.2420A>G, p.Gln807Arg (NM_001407470.1, NM_001354906.2); c.2117A>G, p.Gln706Arg (NM_001407471.1, NM_001407472.1); c.3269A>G, p.Gln1090Arg (NM_001127510.3, NM_001354895.2, NM_001407450.1); c.3215A>G, p.Gln1072Arg (NM_001127511.3); c.3323A>G, p.Gln1108Arg (NM_001354896.2, NM_001407447.1, NM_001407448.1 and 1 more transcripts); and 11 more; short protein forms Q1062R, Q1118R, Q706R, Q807R, Q930R, Q961R, Q1090R, Q989R.
Identifiers: ClinVar variation 3305169 (VCV003305169.1).

ClinVar aggregate classification (germline): Uncertain significance (1 of 4 stars; one submission).

Conditions:
Hereditary cancer-predisposing syndrome. Also called: Tumor predisposition; Hereditary Cancer Syndrome; Hereditary neoplastic syndrome; Neoplastic Syndromes, Hereditary. Identifiers: Orphanet 140162, MedGen C0027672, MeSH D009386, MONDO:0015356.

Submission:

Ambry Genetics
Classification: Uncertain significance for Hereditary cancer-predisposing syndrome. Last evaluated: 2024-05-23. Review status: criteria provided, single submitter. Criteria: Ambry Variant Classification Scheme 2023. Collection method: clinical testing. Allele origin: germline.
Comment: The p.Q1090R variant (also known as c.3269A>G), located in coding exon 15 of the APC gene, results from an A to G substitution at nucleotide position 3269. The glutamine at codon 1090 is replaced by arginine, an amino acid with highly similar properties. This amino acid position is well conserved in available vertebrate species. In addition, in silico predictors for this gene do not accurately predict pathogenicity. Missense alterations in APC are not a common cause of disease (Spier I et al. Genet Med. 2024 Feb;26(2):100992). Based on the available evidence, the clinical significance of this variant remains unclear.